The following is an entry in ClinVar:

NM_005619.5(RTN2):c.*4C>G

Genes: OPA3-RTN2 (OPA3-RTN2 readthrough; minus strand), RTN2 (reticulon 2; minus strand). Cytogenetic location: 19q13.32.
Variant type: single nucleotide variant.
Coding change: c.*4C>G on transcript NM_005619.5 (MANE Select); 4 bases downstream of the stop codon, C replaced by G.
Molecular consequence: 3 prime UTR variant.
Genome position (GRCh38, 1-based): chr19:45,485,704, G>C on the plus strand (C>G on the coding strand, the complement: RTN2 is on the minus strand). VCF-style: chr19-45485704-G-C. GRCh37 (hg19) VCF-style: chr19-45988962-G-C.
Other names: c.*4C>G (NM_206900.3, NM_206901.3).
Identifiers: ClinVar variation 4536650 (VCV004536650.1).

ClinVar aggregate classification (germline): Uncertain significance (1 of 4 stars; one submission).

gnomAD v4.1: 34 of 1,612,994 alleles (0.0021%); highest among the groups gnomAD compares: Non-Finnish European, 0.0027%; no homozygotes.

Submission:

Women's Health and Genetics/Laboratory Corporation of America, LabCorp
Classification: Uncertain significance. Last evaluated: 2025-11-17. Review status: criteria provided, single submitter. Criteria: LabCorp Variant Classification Summary - May 2015. Collection method: clinical testing. Allele origin: germline.
Comment: Variant summary: RTN2 c.*4C>G is located in the untranslated mRNA region downstream of the termination codon. The variant allele was found at a frequency of 8e-06 in 249772 control chromosomes. The available data on variant occurrences in the general population are insufficient to allow any conclusion about variant significance. To our knowledge, no occurrence of c.*4C>G in individuals affected with RTN2-related conditions and no experimental evidence demonstrating its impact on protein function have been reported. No submitters have cited clinical-significance assessments for this variant to ClinVar. Based on the evidence outlined above, the variant was classified as uncertain significance.